The following is an entry in ClinVar:

ClinVar aggregate classification (germline): Uncertain significance (1 of 4 stars; one submission).

Conditions:
Cystic fibrosis (CF). Also called: MUCOVISCIDOSIS. Identifiers: Orphanet 586, MedGen C0010674, MONDO:0009061, OMIM 219700. Disease mechanism: loss of function.

gnomAD v4.1: 2 of 1,613,532 alleles (0.00012%); highest among the groups gnomAD compares: Admixed American, 0.0017%; no homozygotes.

Submission:

Ambry Genetics
Classification: Uncertain significance for Cystic fibrosis. Last evaluated: 2023-08-23. Review status: criteria provided, single submitter. Criteria: Ambry Variant Classification Scheme 2023. Collection method: clinical testing. Allele origin: germline.
Comment: The p.F1090L variant (also known as c.3270C>G), located in coding exon 20 of the CFTR gene, results from a C to G substitution at nucleotide position 3270. The phenylalanine at codon 1090 is replaced by leucine, an amino acid with highly similar properties. This amino acid position is highly conserved in available vertebrate species. In addition, this alteration is predicted to be deleterious by in silico analysis. Since supporting evidence is limited at this time, the clinical significance of this alteration remains unclear.

NM_000492.4(CFTR):c.3270C>G (p.Phe1090Leu)

Genes: CFTR (CF transmembrane conductance regulator; plus strand), CFTR-AS2 (CFTR antisense RNA 2; minus strand), LOC111674472 (DNase I hypersensitive sites in introns 16 and 17a of CFTR; plus strand). Cytogenetic location: 7q31.2.
Variant type: single nucleotide variant.
Coding change: c.3270C>G on transcript NM_000492.4 (MANE Select); coding-DNA position 3270, C replaced by G.
Protein change: p.Phe1090Leu; replaces phenylalanine 1090 with leucine.
Molecular consequence: missense variant.
Genome position (GRCh38, 1-based): chr7:117,611,711, C>G. VCF-style: chr7-117611711-C-G. GRCh37 (hg19) VCF-style: chr7-117251765-C-G.
Other names: short protein forms F1090L.
Identifiers: ClinVar variation 2624960 (VCV002624960.2), dbSNP rs1362358357, ClinGen allele CA368992331.